The following is an entry in ClinVar:

NM_173630.4(RTTN):c.4804C>G (p.Leu1602Val)

Gene: RTTN (rotatin; minus strand). Cytogenetic location: 18q22.2.
Variant type: single nucleotide variant.
Coding change: c.4804C>G on transcript NM_173630.4 (MANE Select); coding-DNA position 4804, C replaced by G.
Protein change: p.Leu1602Val; replaces leucine 1602 with valine.
Molecular consequence: missense variant.
Genome position (GRCh38, 1-based): chr18:70,059,986, G>C on the plus strand (C>G on the coding strand, the complement: RTTN is on the minus strand). VCF-style: chr18-70059986-G-C. GRCh37 (hg19) VCF-style: chr18-67727222-G-C.
Other names: c.2068C>G, p.Leu690Val (NM_001318520.2); short protein forms L1602V, L690V.
Identifiers: ClinVar variation 4744458 (VCV004744458.1).

ClinVar aggregate classification (germline): Uncertain significance (1 of 4 stars; one submission).

Submission:

Labcorp Genetics (formerly Invitae), Labcorp
Classification: Uncertain significance. Last evaluated: 2025-08-17. Review status: criteria provided, single submitter. Criteria: Invitae Variant Classification Sherloc (09022015). Collection method: clinical testing. Allele origin: germline.
Comment: This sequence change replaces leucine, which is neutral and non-polar, with valine, which is neutral and non-polar, at codon 1602 of the RTTN protein (p.Leu1602Val). This variant is not present in population databases (gnomAD no frequency). This variant has not been reported in the literature in individuals affected with RTTN-related conditions. Invitae Evidence Modeling of protein sequence and biophysical properties (such as structural, functional, and spatial information, amino acid conservation, physicochemical variation, residue mobility, and thermodynamic stability) indicates that this missense variant is not expected to disrupt RTTN protein function with a negative predictive value of 80%. In summary, the available evidence is currently insufficient to determine the role of this variant in disease. Therefore, it has been classified as a Variant of Uncertain Significance.